The following is an entry in ClinVar:

NM_182914.3(SYNE2):c.2781+5G>A

Gene: SYNE2 (spectrin repeat containing nuclear envelope protein 2; plus strand). Cytogenetic location: 14q23.2.
Variant type: single nucleotide variant.
Coding change: c.2781+5G>A on transcript NM_182914.3 (MANE Select); 5 bases into the intron after coding-DNA position 2781, G replaced by A.
Molecular consequence: intron variant.
Genome position (GRCh38, 1-based): chr14:63,993,974, G>A. VCF-style: chr14-63993974-G-A. GRCh37 (hg19) VCF-style: chr14-64460692-G-A.
Other names: c.2781+5G>A (NM_015180.6).
Identifiers: ClinVar variation 855760 (VCV000855760.9), dbSNP rs371516053, ClinGen allele CA7219786.

ClinVar aggregate classification (germline): Uncertain significance (1 of 4 stars; one submission).

Conditions:
Emery-Dreifuss muscular dystrophy 5, autosomal dominant (EDMD5). Also called: EMERY-DREIFUSS MUSCULAR DYSTROPHY 5. Identifiers: Orphanet 261, MedGen C2751805, MONDO:0013072, OMIM 612999.

Allele frequency attached by ClinVar (database versions not stated): gnomAD exomes 0.00005 and 0.00013; ExAC 0.00011; ESP Exome Variant Server 0.00033; gnomAD 0.00004; TOPMed 0.00004.
gnomAD v4.1: 190 of 1,613,524 alleles (0.012%); highest among the groups gnomAD compares: Non-Finnish European, 0.016%; no homozygotes.

Submission:

Labcorp Genetics (formerly Invitae), Labcorp
Classification: Uncertain significance for Emery-Dreifuss muscular dystrophy 5, autosomal dominant. Last evaluated: 2025-10-02. Review status: criteria provided, single submitter. Criteria: Invitae Variant Classification Sherloc (09022015). Collection method: clinical testing. Allele origin: germline.
Comment: This sequence change falls in intron 22 of the SYNE2 gene. It does not directly change the encoded amino acid sequence of the SYNE2 protein. It affects a nucleotide within the consensus splice site. This variant is present in population databases (rs371516053, gnomAD 0.01%). This variant has not been reported in the literature in individuals affected with SYNE2-related conditions. ClinVar contains an entry for this variant (Variation ID: 855760). Variants that disrupt the consensus splice site are a relatively common cause of aberrant splicing (PMID: 17576681, 9536098). Algorithms developed to predict the effect of sequence changes on RNA splicing suggest that this variant is not likely to affect RNA splicing. In summary, the available evidence is currently insufficient to determine the role of this variant in disease. Therefore, it has been classified as a Variant of Uncertain Significance.

Literature cited by the submitters: PubMed 17576681; PubMed 9536098.